The following is an entry in ClinVar:

ClinVar aggregate classification (germline): Pathogenic (1 of 4 stars; one submission).

Conditions:
Marfan syndrome (MFS). Also called: MARFAN SYNDROME, TYPE I; Marfan syndrome type 1; Marfan's syndrome; FBN1-Related Marfan Syndrome; Marfan syndrome, classic. Identifiers: Orphanet 284963, Orphanet 558, MedGen C0024796, MONDO:0007947, OMIM 154700.

Submission:

Centro de Genética y Biología Molecular, Universidad de San Martín de Porres
Classification: Pathogenic for Marfan syndrome. Last evaluated: 2025-01-20. Review status: criteria provided, single submitter. Criteria: ACMG Guidelines, 2015. Collection method: research. Allele origin: germline. Inheritance: Autosomal dominant inheritance. Affected: yes. Observed: 1 heterozygote.
Comment: This variant deletes six nucleotides (two aminoacids from the FBN1 protein) at exon 47 of the gene. It is an inframe deletion. Close by changes are pathogenic and the loss of two aminoacids (Asn and His) is produced in a non repeat and very high conservation region (Ca-binding EGF-like domain).

NM_000138.5(FBN1):c.5743_5748del (p.Arg1915_Cys1916del)

Gene: FBN1 (fibrillin 1; minus strand). Cytogenetic location: 15q21.1.
Variant type: Deletion.
Coding change: c.5743_5748del on transcript NM_000138.5 (MANE Select); coding-DNA positions 5743 to 5748, 6 bases deleted (CGCTGC; older notation c.5743_5748delCGCTGC).
Protein change: p.Arg1915_Cys1916del.
Molecular consequence: inframe indel (on NM_000138.4).
Genome position (GRCh38, 1-based): chr15:48,446,746-48,446,751, GCAGCG deleted on the plus strand (CGCTGC on the coding strand, the reverse complement: FBN1 is on the minus strand); deleting any 6 consecutive bases within chr15:48,446,746-48,446,755 gives the same sequence; the c. name uses the placement nearest the transcript's 3' end. VCF-style (leftmost placement, unchanged base first): chr15-48446745-TGCAGCG-T. GRCh37 (hg19) VCF-style: chr15-48738942-TGCAGCG-T.
Other names: c.5739_5744delCTGCCG, p.Arg1915_Cys1916del (NM_000138.4); c.5743_5748del, p.Arg1915_Cys1916del (NM_001406716.1).
Identifiers: ClinVar variation 4077161 (VCV004077161.1).